The following is an entry in ClinVar:

ClinVar aggregate classification (germline): Uncertain significance. Review status: criteria provided, multiple submitters, no conflicts (2 of 4 stars). 3 submissions from 3 submitters: Uncertain significance (3). Last evaluated 2024-07-02.

Conditions:
Familial thoracic aortic aneurysm and aortic dissection (TAAD). Also called: Thoracic aortic aneurysms and dissections. Identifiers: Orphanet 91387, MedGen C4707243, MONDO:0019625.
Ehlers-Danlos syndrome, kyphoscoliotic type 1 (EDSKSCL1). Also called: Ehlers-Danlos syndrome, hydroxylysine-deficient; EHLERS-DANLOS SYNDROME, OCULAR-SCOLIOTIC TYPE; EHLERS-DANLOS SYNDROME, TYPE VIA; PLOD1-Related Kyphoscoliotic Ehlers-Danlos Syndrome. Identifiers: Orphanet 1900, MedGen C0268342, MONDO:0016002, OMIM 225400. Disease mechanism: loss of function.

Allele frequency attached by ClinVar (database versions not stated): gnomAD 0.00007; TOPMed 0.00007; ESP Exome Variant Server 0.00023; gnomAD exomes 0.00002 and 0.00006; ExAC 0.00004.
gnomAD v4.1: 106 of 1,614,046 alleles (0.0066%); highest among the groups gnomAD compares: Non-Finnish European, 0.0081%; no homozygotes.

Submissions (3):

Ambry Genetics
Classification: Uncertain significance for Familial thoracic aortic aneurysm and aortic dissection. Last evaluated: 2024-07-02. Review status: criteria provided, single submitter. Criteria: Ambry Variant Classification Scheme 2023. Collection method: clinical testing. Allele origin: germline.

Labcorp Genetics (formerly Invitae), Labcorp
Classification: Uncertain significance for Ehlers-Danlos syndrome, kyphoscoliotic type 1. Last evaluated: 2022-07-04. Review status: criteria provided, single submitter. Criteria: Invitae Variant Classification Sherloc (09022015). Collection method: clinical testing. Allele origin: germline.
Comment: This sequence change replaces alanine, which is neutral and non-polar, with valine, which is neutral and non-polar, at codon 721 of the PLOD1 protein (p.Ala721Val). This variant is present in population databases (rs149161535, gnomAD 0.006%). This variant has not been reported in the literature in individuals affected with PLOD1-related conditions. ClinVar contains an entry for this variant (Variation ID: 373603). Algorithms developed to predict the effect of missense changes on protein structure and function (SIFT, PolyPhen-2, Align-GVGD) all suggest that this variant is likely to be tolerated. In summary, the available evidence is currently insufficient to determine the role of this variant in disease. Therefore, it has been classified as a Variant of Uncertain Significance.

GeneDx
Classification: Uncertain significance. Last evaluated: 2016-11-28. Review status: criteria provided, single submitter. Criteria: GeneDx Variant Classification (06012015). Collection method: clinical testing. Allele origin: germline. Affected: yes.
Comment: A variant of uncertain significance has been identified in the PLOD1 gene. The A721V variant has not been published as a pathogenic variant, nor has it been reported as a benign variant to our knowledge. This variant was not observed at a significant frequency in approximately 6,500 individuals of European and African American ancestry in the NHLBI Exome Sequencing Project, indicating it is not a common benign variant in these populations. However, the A721V variant is a conservative amino acid substitution, which is not likely to impact secondary protein structure as these residues share similar properties. This substitution occurs at a position where amino acids with similar properties to Alanine are tolerated across species, and Valine is the wild-type amino acid at this position in at least one species. Furthermore, in silico analysis is inconsistent in its predictions as to whether or not the variant is damaging to the protein structure/function.Therefore, based on the currently available information, it is unclear whether this variant is pathogenic or benign.

NM_000302.4(PLOD1):c.2162C>T (p.Ala721Val)

Gene: PLOD1 (procollagen-lysine,2-oxoglutarate 5-dioxygenase 1; plus strand). Cytogenetic location: 1p36.22.
Variant type: single nucleotide variant.
Coding change: c.2162C>T on transcript NM_000302.4 (MANE Select); coding-DNA position 2162, C replaced by T.
Protein change: p.Ala721Val; replaces alanine 721 with valine.
Molecular consequence: missense variant.
Genome position (GRCh38, 1-based): chr1:11,974,786, C>T. VCF-style: chr1-11974786-C-T. GRCh37 (hg19) VCF-style: chr1-12034843-C-T.
Other names: c.2303C>T, p.Ala768Val (NM_001316320.2); short protein forms A721V, A768V.
Identifiers: ClinVar variation 373603 (VCV000373603.11), dbSNP rs149161535, ClinGen allele CA598690.